The following is an entry in ClinVar:

NM_001037.5(SCN1B):c.623A>T (p.Lys208Ile)

Gene: SCN1B (sodium voltage-gated channel beta subunit 1; plus strand). Cytogenetic location: 19q13.11.
Variant type: single nucleotide variant.
Coding change: c.623A>T on transcript NM_001037.5 (MANE Select); coding-DNA position 623, A replaced by T.
Protein change: p.Lys208Ile; replaces lysine 208 with isoleucine.
Molecular consequence: missense variant.
Genome position (GRCh38, 1-based): chr19:35,039,667, A>T. VCF-style: chr19-35039667-A-T. GRCh37 (hg19) VCF-style: chr19-35530571-A-T.
Other names: NM_199037.4:c.623A>T - p.(Lys208Ile); c.524A>T, p.Lys175Ile (NM_001321605.2); short protein forms K208I, K175I.
Identifiers: ClinVar variation 470174 (VCV000470174.25), dbSNP rs780958012, ClinGen allele CA9372121.
Genomic context (GRCh38, chr19:35,039,667, plus strand): 5'-CACTGTATACCTGGCCTTTCCCCCACAGCTCGGAATACCTGGCCATCACCTCTGAAAGCA[A>T]AGAGAACTGCACGGGCGTCCAGGTGGCCGAATAGCCCTGGTAAGGCGGATGGGCTGGCAG-3'
Protein context (NP_001028.1, residues 198-218): SEYLAITSES[Lys208Ile]ENCTGVQVAE

ClinVar aggregate classification (germline): Conflicting classifications of pathogenicity. Review status: criteria provided, conflicting classifications (1 of 4 stars). 3 submissions from 3 submitters: Likely pathogenic (1); Uncertain significance (2). Last evaluated 2025-12-30.

Conditions:
SCN1B-related disorder. Also called: SCN1B-Related Disorders; SCN1B-related condition.
Brugada syndrome. Also called: Sudden unexpected nocturnal death syndrome; Sudden unexplained nocturnal death syndrome; Sudden Unexplained Death Syndrome; Sudden Unexplained Nocturnal Death Syndrome (SUNDS). Identifiers: Orphanet 130, MedGen C1142166, MONDO:0015263.
Cardiovascular phenotype. Identifiers: MedGen CN230736.
Brugada syndrome 5 (BRGDA5). Identifiers: Orphanet 130, Orphanet 871, MedGen C2748541, MONDO:0013015, OMIM 612838.

Allele frequency attached by ClinVar (database versions not stated): gnomAD exomes 0.00001 and 0.00002; ExAC 0.00002; gnomAD 0.00002; TOPMed 0.00002.
gnomAD v4.1: 21 of 1,614,058 alleles (0.0013%); highest among the groups gnomAD compares: Admixed American, 0.0033%; no homozygotes.

Submissions (3):

Labcorp Genetics (formerly Invitae), Labcorp
Classification: Uncertain significance for Brugada syndrome 5. Last evaluated: 2025-12-30. Review status: criteria provided, single submitter. Criteria: Invitae Variant Classification Sherloc (09022015). Collection method: clinical testing. Allele origin: germline.
Comment: The SCN1B gene has multiple clinically relevant transcripts. This variant occurs in alternate transcript NM_001037.5, and corresponds to NM_199037.3:c.*5569A>T in the primary transcript. This sequence change replaces lysine, which is basic and polar, with isoleucine, which is neutral and non-polar, at codon 208 of the SCN1B protein (p.Lys208Ile). This variant is present in population databases (rs780958012, gnomAD 0.006%). This missense change has been observed in individual(s) with febrile seizures (PMID: 19522081). ClinVar contains an entry for this variant (Variation ID: 470174). Experimental studies and prediction algorithms are not available or were not evaluated, and the functional significance of this variant is currently unknown. In summary, the available evidence is currently insufficient to determine the role of this variant in disease. Therefore, it has been classified as a Variant of Uncertain Significance.

Department of Genetics and Molecular Biology, Isfahan University of Medical Sciences
Classification: Likely pathogenic for Brugada syndrome. Last evaluated: 2025-05-24. Review status: criteria provided, single submitter. Criteria: ACMG Guidelines, 2015. Collection method: clinical testing. Allele origin: germline. Affected: yes.
Comment: This variant, c.623A>T in SCN1B, is classified as Likely pathogenic based on ACMG criteria: - PM1 (Moderate): Located in a critical functional domain of the β1 subunit important for cardiac sodium channel regulation, with known pathogenic variants reported in this region. - PM2 (Moderate): Absent or extremely rare in population databases (e.g., gnomAD), supporting rarity incompatible with benign variation. - PM6 (Moderate): Evidence suggests possible de novo occurrence in the affected individual without family history, supporting pathogenicity. - PP3 (Supporting): Multiple computational tools predict deleterious effect on protein function and conservation across species. Together, these criteria support a Likely pathogenic classification.

Classified as Likely pathogenic per ACMG criteria. SCN1B encodes the β1 subunit of the cardiac sodium channel, essential for normal cardiac conduction and excitability.

Ambry Genetics
Classification: Uncertain significance for Cardiovascular phenotype. Last evaluated: 2025-05-15. Review status: criteria provided, single submitter. Criteria: Ambry Variant Classification Scheme 2023. Collection method: clinical testing. Allele origin: germline.
Comment: The p.K208I variant (also known as c.623A>T), located in coding exon 5 of the SCN1B gene, results from an A to T substitution at nucleotide position 623. The lysine at codon 208 is replaced by isoleucine, an amino acid with dissimilar properties. This variant was reported in individual(s) with features consistent with epilepsy (Orrico A et al. Clin Genet, 2009 Jun;75:579-81; Truty R et al. Epilepsia Open, 2019 Sep;4:397-408; Yacoub AM et al. Neurol Sci, 2025 Feb;46:899-910). This amino acid position is highly conserved in available vertebrate species. In addition, this alteration is predicted to be deleterious by in silico analysis. Based on the available evidence, the clinical significance of this variant remains unclear.

Literature cited by the submitters: PubMed 19522081 (cited by Labcorp Genetics (formerly Invitae), Labcorp and Ambry Genetics); PubMed 28488083 (cited by Department of Genetics and Molecular Biology, Isfahan University of Medical Sciences and Ambry Genetics); PubMed 31440721 (cited by Ambry Genetics); PubMed 39616287 (cited by Ambry Genetics).